The following is an entry in ClinVar:

ClinVar aggregate classification (germline): Uncertain significance (1 of 4 stars; one submission).

gnomAD v4.1: 2 of 1,613,876 alleles (0.00012%); highest among the groups gnomAD compares: Non-Finnish European, 0.00017%; no homozygotes.

Submission:

Athena Diagnostics
Classification: Uncertain significance. Last evaluated: 2025-08-25. Review status: criteria provided, single submitter. Criteria: Athena Diagnostics Criteria. Collection method: clinical testing. Allele origin: unknown.
Comment: Available data are insufficient to determine the clinical significance of the variant at this time. The frequency of this variant in the general population is uninformative in assessment of its pathogenicity. Polyphen and MutationTaster yielded discordant predictions regarding whether this amino acid change is damaging to the protein.

NM_001146262.4(SYT14):c.566G>A (p.Cys189Tyr)

Gene: SYT14 (synaptotagmin 14; plus strand). Cytogenetic location: 1q32.2.
Variant type: single nucleotide variant.
Coding change: c.566G>A on transcript NM_001146262.4 (MANE Select); coding-DNA position 566, G replaced by A.
Protein change: p.Cys189Tyr; replaces cysteine 189 with tyrosine.
Molecular consequence: missense variant. On other transcripts: non-coding transcript variant (1).
Genome position (GRCh38, 1-based): chr1:210,094,445, G>A. VCF-style: chr1-210094445-G-A. GRCh37 (hg19) VCF-style: chr1-210267790-G-A.
Other names: c.701G>A, p.Cys234Tyr (NM_001146261.4, NM_001146264.4); c.452G>A, p.Cys151Tyr (NM_001256006.3); c.1436G>A, p.Cys479Tyr (NM_001397544.1, NM_001397545.1); c.566G>A, p.Cys189Tyr (NM_153262.5); short protein forms C151Y, C189Y, C234Y, C479Y.
Identifiers: ClinVar variation 4682285 (VCV004682285.1).
Genomic context (GRCh38, chr1:210,094,445, plus strand): 5'-AGGATGACAGTGGTTCTCCCCATCTGTCATGTACACCCTCAGAAATTGGGGACAGTAAAT[G>A]TGAATTTTCCCACTGCAGCAACAGTCCAAGATGCTCATATAACAAGTGCCCAAGTGAAGG-3'
Protein context (NP_001139734.1, residues 179-199): CTPSEIGDSK[Cys189Tyr]EFSHCSNSPR